The following is an entry in ClinVar:

NM_002439.5(MSH3):c.2877del (p.Ala960fs)

Gene: MSH3 (mutS homolog 3; plus strand). Cytogenetic location: 5q14.1.
Variant type: Deletion.
Coding change: c.2877del on transcript NM_002439.5 (MANE Select); coding-DNA position 2877, one base deleted (A; older notation c.2877delA).
Protein change: p.Ala960fs; shifts the reading frame from alanine 960.
Molecular consequence: frameshift variant.
Genome position (GRCh38, 1-based): chr5:80,854,193, A deleted. VCF-style (leftmost placement, unchanged base first): chr5-80854192-CA-C. GRCh37 (hg19) VCF-style: chr5-80150011-CA-C.
Other names: short protein forms A960fs.
Identifiers: ClinVar variation 1797114 (VCV001797114.2), dbSNP rs2478771635, ClinGen allele CA2580073563.

ClinVar aggregate classification (germline): Pathogenic (1 of 4 stars; one submission).

Conditions:
Hereditary cancer-predisposing syndrome. Also called: Tumor predisposition; Hereditary Cancer Syndrome; Neoplastic Syndromes, Hereditary; Hereditary neoplastic syndrome. Identifiers: Orphanet 140162, MedGen C0027672, MeSH D009386, MONDO:0015356.

Submission:

Ambry Genetics
Classification: Pathogenic for Hereditary cancer-predisposing syndrome. Last evaluated: 2022-07-19. Review status: criteria provided, single submitter. Criteria: Ambry Variant Classification Scheme 2023. Collection method: clinical testing. Allele origin: germline.
Comment: The c.2877delA pathogenic mutation, located in coding exon 21 of the MSH3 gene, results from a deletion of one nucleotide at nucleotide position 2877, causing a translational frameshift with a predicted alternate stop codon (p.A960Qfs*3). This variant is considered to be rare based on population cohorts in the Genome Aggregation Database (gnomAD). This alteration is expected to result in loss of function by premature protein truncation or nonsense-mediated mRNA decay. As such, this alteration is interpreted as a disease-causing mutation.